The following is an entry in ClinVar:

NM_001966.4(EHHADH):c.2040G>A (p.Gln680=)

Gene: EHHADH (enoyl-CoA hydratase and 3-hydroxyacyl CoA dehydrogenase; minus strand). Cytogenetic location: 3q27.2.
Variant type: single nucleotide variant.
Coding change: c.2040G>A on transcript NM_001966.4 (MANE Select); coding-DNA position 2040, G replaced by A.
Protein change: p.Gln680=; no amino-acid change (glutamine 680 retained).
Molecular consequence: synonymous variant.
Genome position (GRCh38, 1-based): chr3:185,192,358, C>T on the plus strand (G>A on the coding strand, the complement: EHHADH is on the minus strand). VCF-style: chr3-185192358-C-T. GRCh37 (hg19) VCF-style: chr3-184910146-C-T.
Other names: c.1752G>A, p.Gln584= (NM_001166415.2).
Identifiers: ClinVar variation 4979244 (VCV004979244.1).

ClinVar aggregate classification (germline): Likely benign (1 of 4 stars; one submission).

Conditions:
EHHADH-related disorder. Also called: EHHADH-related condition.

gnomAD v4.1: 118 of 1,614,038 alleles (0.0073%); highest among the groups gnomAD compares: Non-Finnish European, 0.0015%; no homozygotes.

Submission:

PreventionGenetics, part of Exact Sciences
Classification: Likely benign for EHHADH-related condition. Last evaluated: 2025-07-15. Review status: criteria provided, single submitter. Criteria: ACMG Guidelines, 2015. Collection method: clinical testing. Allele origin: germline.
Comment: This variant is classified as likely benign based on ACMG/AMP sequence variant interpretation guidelines (Richards et al. 2015 PMID: 25741868, with internal and published modifications).